The following is an entry in ClinVar:

NM_000455.5(STK11):c.670A>G (p.Ile224Val)

Gene: STK11 (serine/threonine kinase 11; plus strand). Cytogenetic location: 19p13.3.
Variant type: single nucleotide variant.
Coding change: c.670A>G on transcript NM_000455.5 (MANE Select); coding-DNA position 670, A replaced by G.
Protein change: p.Ile224Val; replaces isoleucine 224 with valine.
Molecular consequence: missense variant.
Genome position (GRCh38, 1-based): chr19:1,220,653, A>G. VCF-style: chr19-1220653-A-G. GRCh37 (hg19) VCF-style: chr19-1220652-A-G.
Other names: c.670A>G, p.Ile224Val (NM_001407255.1); short protein forms I224V.
Identifiers: ClinVar variation 2114074 (VCV002114074.6), dbSNP rs1321933519, ClinGen allele CA402949717.

ClinVar aggregate classification (germline): Uncertain significance. Review status: criteria provided, multiple submitters, no conflicts (2 of 4 stars). 3 submissions from 3 submitters: Uncertain significance (3). Last evaluated 2026-05-05.

Conditions:
Hereditary cancer-predisposing syndrome. Also called: Neoplastic Syndromes, Hereditary; Tumor predisposition; Hereditary Cancer Syndrome; Hereditary neoplastic syndrome. Identifiers: Orphanet 140162, MedGen C0027672, MeSH D009386, MONDO:0015356.
Peutz-Jeghers syndrome (PJS). Also called: POLYPOSIS, HAMARTOMATOUS INTESTINAL; POLYPS-AND-SPOTS SYNDROME; Peutz-Jeghers polyposis; Periorificial lentiginosis syndrome. Identifiers: Orphanet 2869, MedGen C0031269, MeSH D010580, MONDO:0008280, OMIM 175200.

gnomAD v4.1: 1 of 1,610,346 alleles (0.000062%); no homozygotes.

Submissions (3):

Ambry Genetics
Classification: Uncertain significance for Hereditary cancer-predisposing syndrome. Last evaluated: 2026-05-05. Review status: criteria provided, single submitter. Criteria: Ambry Variant Classification Scheme 2023. Collection method: clinical testing. Allele origin: germline.
Comment: The p.I224V variant (also known as c.670A>G), located in coding exon 5 of the STK11 gene, results from an A to G substitution at nucleotide position 670. The isoleucine at codon 224 is replaced by valine, an amino acid with highly similar properties. This amino acid position is highly conserved in available vertebrate species. In addition, this alteration is predicted to be tolerated by in silico analysis. Based on the available evidence, the clinical significance of this variant remains unclear.

Color Diagnostics, LLC DBA Color Health
Classification: Uncertain significance for Hereditary cancer-predisposing syndrome. Last evaluated: 2025-06-03. Review status: criteria provided, single submitter. Criteria: ACMG Guidelines, 2015. Collection method: clinical testing. Allele origin: germline.
Comment: This missense variant replaces isoleucine with valine at codon 224 of the STK11 protein. Computational prediction suggests that this variant may not impact protein structure and function. To our knowledge, functional studies have not been reported for this variant. This variant has not been reported in individuals affected with STK11-related disorders in the literature. This variant has not been identified in the general population by the Genome Aggregation Database (gnomAD). The available evidence is insufficient to determine the role of this variant in disease conclusively. Therefore, this variant is classified as a Variant of Uncertain Significance.

Labcorp Genetics (formerly Invitae), Labcorp
Classification: Uncertain significance for Peutz-Jeghers syndrome. Last evaluated: 2022-03-19. Review status: criteria provided, single submitter. Criteria: Invitae Variant Classification Sherloc (09022015). Collection method: clinical testing. Allele origin: germline.
Comment: This sequence change replaces isoleucine, which is neutral and non-polar, with valine, which is neutral and non-polar, at codon 224 of the STK11 protein (p.Ile224Val). This variant is not present in population databases (gnomAD no frequency). This variant has not been reported in the literature in individuals affected with STK11-related conditions. Advanced modeling of protein sequence and biophysical properties (such as structural, functional, and spatial information, amino acid conservation, physicochemical variation, residue mobility, and thermodynamic stability) performed at Invitae indicates that this missense variant is expected to disrupt STK11 protein function. In summary, the available evidence is currently insufficient to determine the role of this variant in disease. Therefore, it has been classified as a Variant of Uncertain Significance.